The following is an entry in ClinVar:

NM_020822.3(KCNT1):c.1770-42G>A

Gene: KCNT1 (potassium sodium-activated channel subfamily T member 1; plus strand). Cytogenetic location: 9q34.3.
Variant type: single nucleotide variant.
Coding change: c.1770-42G>A on transcript NM_020822.3 (MANE Select); 42 bases into the intron before coding-DNA position 1770, G replaced by A.
Molecular consequence: intron variant.
Genome position (GRCh38, 1-based): chr9:135,770,815, G>A. VCF-style: chr9-135770815-G-A. GRCh37 (hg19) VCF-style: chr9-138662661-G-A.
Other names: c.1635-42G>A (NM_001272003.2).
Identifiers: ClinVar variation 682124 (VCV000682124.4), dbSNP rs10858172, ClinGen allele CA5327063.

ClinVar aggregate classification (germline): Benign. Review status: criteria provided, multiple submitters, no conflicts (2 of 4 stars). 3 submissions from 3 submitters: Benign (3). Last evaluated 2024-07-15.

Allele frequency attached by ClinVar (database versions not stated): gnomAD exomes 0.46948 and 0.47823; ExAC 0.50856; 1000 Genomes Project 0.51198; TOPMed 0.51211; 1000 Genomes Project 30x 0.51874; gnomAD 0.52065 and 0.52428; ESP Exome Variant Server 0.54287.
gnomAD v4.1: 722,177 of 1,498,982 alleles (48%); highest among the groups gnomAD compares: African/African-American, 65%; 176,639 homozygotes.

Submissions (3):

Unidad de Genómica Garrahan, Hospital de Pediatría Garrahan
Classification: Benign. Last evaluated: 2024-07-15. Review status: criteria provided, single submitter. Criteria: ACMG Guidelines, 2015. Collection method: clinical testing. Allele origin: germline. Affected: no. Observed: 61 variant alleles.
Comment: This variant is classified as Benign based on local population frequency. This variant was detected in 66% of patients studied in a panel designed for Epileptic and Developmental Encephalopathy and Progressive Myoclonus Epilepsy. Number of patients: 61. Only high quality variants are reported.

GeneDx
Classification: Benign. Last evaluated: 2018-06-14. Review status: criteria provided, single submitter. Criteria: GeneDx Variant Classification (06012015). Collection method: clinical testing. Allele origin: germline. Affected: yes.
Comment: This variant is considered likely benign or benign based on one or more of the following criteria: it is a conservative change, it occurs at a poorly conserved position in the protein, it is predicted to be benign by multiple in silico algorithms, and/or has population frequency not consistent with disease.

Breakthrough Genomics
Classification: Benign. Review status: criteria provided, single submitter. Criteria: ACMG Guidelines, 2015. Collection method: not provided. Allele origin: germline. Inheritance: Autosomal dominant inheritance. Affected: yes.